The following is an entry in ClinVar:

ClinVar aggregate classification (germline): Uncertain significance (1 of 4 stars; one submission).

Conditions:
Leukodystrophy, hypomyelinating, 20. Identifiers: MedGen C5436730, MONDO:0033657, OMIM 619071.

Submission:

Neuberg Centre For Genomic Medicine, NCGM
Classification: Uncertain significance for Leukodystrophy, hypomyelinating, 20. Review status: criteria provided, single submitter. Criteria: ACMG Guidelines, 2015. Collection method: clinical testing. Allele origin: germline. Affected: yes.
Comment: The missense variant c.918_921delACTGinsCCTA in CNP (NM_033133.5) has not been reported previously as a pathogenic variant nor as a benign variant, to our knowledge. The c.918_921delACTGinsCCTA variant is novel (not in any individuals) in gnomAD Exomes and is novel (not in any individuals) in 1000 Genomes. For these reasons, this variant has been classified as Uncertain Significance.

NM_033133.5(CNP):c.918_921delinsCCTA (p.Gln306His)

Gene: CNP (2'',3''-cyclic nucleotide 3'' phosphodiesterase; plus strand). Cytogenetic location: 17q21.2.
Variant type: Indel.
Coding change: c.918_921delinsCCTA on transcript NM_033133.5 (MANE Select); coding-DNA positions 918 to 921, ACTG replaced by CCTA.
Protein change: p.Gln306His; replaces glutamine 306 with histidine.
Molecular consequence: missense variant.
Genome position (GRCh38, 1-based): chr17:41,973,576-41,973,579, ACTG replaced by CCTA. VCF-style: chr17-41973576-ACTG-CCTA. GRCh37 (hg19) VCF-style: chr17-40125594-ACTG-CCTA.
Other names: c.858_861delinsCCTA, p.Gln286His (NM_001330216.2); c.918_921delACTGinsCCTA (NM_033133.5); short protein forms Q286H, Q306H.
Identifiers: ClinVar variation 1878568 (VCV001878568.1), dbSNP rs2544758619, ClinGen allele CA2580093710.